The following is an entry in ClinVar:

ClinVar aggregate classification (germline): Benign/Likely benign. Review status: criteria provided, multiple submitters, no conflicts (2 of 4 stars). 3 submissions from 3 submitters: Benign (2); Likely benign (1). Last evaluated 2026-01-12.

Conditions:
MARS1-related disorder. Also called: MARS1-related condition.
Severe early-onset pulmonary alveolar proteinosis due to MARS deficiency. Also called: PULMONARY ALVEOLAR PROTEINOSIS, REUNION ISLAND; Interstitial lung and liver disease. Identifiers: Orphanet 440427, MedGen C4225400, MONDO:0014206, OMIM 615486.
Charcot-Marie-Tooth disease axonal type 2U. Also called: CHARCOT-MARIE-TOOTH NEUROPATHY, TYPE 2U; CHARCOT-MARIE-TOOTH DISEASE, AXONAL, AUTOSOMAL DOMINANT, TYPE 2U. Identifiers: Orphanet 397735, MedGen C4084821, MONDO:0014566, OMIM 616280.

Allele frequency attached by ClinVar (database versions not stated): TOPMed 0.00111; gnomAD 0.00127; ESP Exome Variant Server 0.00138; 1000 Genomes Project 0.00200; 1000 Genomes Project 30x 0.00219.
gnomAD v4.1: 382 of 1,614,178 alleles (0.024%); highest among the groups gnomAD compares: African/African-American, 0.43%; no homozygotes.

Submissions (3):

Labcorp Genetics (formerly Invitae), Labcorp
Classification: Benign for Charcot-Marie-Tooth disease axonal type 2U; Severe early-onset pulmonary alveolar proteinosis due to MARS deficiency. Last evaluated: 2026-01-12. Review status: criteria provided, single submitter. Criteria: Invitae Variant Classification Sherloc (09022015). Collection method: clinical testing. Allele origin: germline.

PreventionGenetics, part of Exact Sciences
Classification: Likely benign for MARS1-related condition. Last evaluated: 2025-05-29. Review status: criteria provided, single submitter. Criteria: ACMG Guidelines, 2015. Collection method: clinical testing. Allele origin: germline.
Comment: This variant is classified as likely benign based on ACMG/AMP sequence variant interpretation guidelines (Richards et al. 2015 PMID: 25741868, with internal and published modifications).

Breakthrough Genomics
Classification: Benign. Review status: criteria provided, single submitter. Criteria: ACMG Guidelines, 2015. Collection method: not provided. Allele origin: germline. Inheritance: Autosomal recessive inheritance. Affected: yes.

NM_004990.4(MARS1):c.2209C>A (p.Arg737=)

Gene: MARS1 (methionyl-tRNA synthetase 1; plus strand). Cytogenetic location: 12q13.3.
Variant type: single nucleotide variant.
Coding change: c.2209C>A on transcript NM_004990.4 (MANE Select); coding-DNA position 2209, C replaced by A.
Protein change: p.Arg737=; no amino-acid change (arginine 737 retained).
Molecular consequence: synonymous variant.
Genome position (GRCh38, 1-based): chr12:57,515,154, C>A. VCF-style: chr12-57515154-C-A. GRCh37 (hg19) VCF-style: chr12-57908937-C-A.
Identifiers: ClinVar variation 475421 (VCV000475421.13), dbSNP rs139536122, ClinGen allele CA6650749.